The following is an entry in ClinVar:

NM_005045.4(RELN):c.2637C>T (p.Val879=)

Gene: RELN (reelin; minus strand). Cytogenetic location: 7q22.1.
Variant type: single nucleotide variant.
Coding change: c.2637C>T on transcript NM_005045.4 (MANE Select); coding-DNA position 2637, C replaced by T.
Protein change: p.Val879=; no amino-acid change (valine 879 retained).
Molecular consequence: synonymous variant.
Genome position (GRCh38, 1-based): chr7:103,630,005, G>A on the plus strand (C>T on the coding strand, the complement: RELN is on the minus strand). VCF-style: chr7-103630005-G-A. GRCh37 (hg19) VCF-style: chr7-103270452-G-A.
Other names: c.2637C>T, p.Val879= (NM_173054.3).
Identifiers: ClinVar variation 593365 (VCV000593365.18), dbSNP rs544717229, ClinGen allele CA4421968.
Genomic context (GRCh38, chr7:103,630,005, plus strand): 5'-GGTCCAGTCGTGGCCACAGTATGGCTGAACATTTCCAAGGTAGAATCCCAGAGACTGAGT[G>A]ACCTCCACAAGATTGGTAAAGTCAAGACTAATGCTGTTGAAAAGCACAGATGTCATGATA-3'
Protein context (NP_005036.2, residues 869-889): ISLDFTNLVE[Val879=]TQSLGFYLGN

ClinVar aggregate classification (germline): Conflicting classifications of pathogenicity. Review status: criteria provided, conflicting classifications (1 of 4 stars). 4 submissions from 4 submitters: Uncertain significance (1); Likely benign (2). 1 of the submissions does not count toward it. Last evaluated 2026-01-26.

Conditions:
RELN-related disorder. Also called: RELN-related condition.
Norman-Roberts syndrome (LIS2). Also called: Lissencephaly 2 (Norman-Roberts type). Identifiers: Orphanet 89844, MedGen C0796089, MONDO:0009760, OMIM 257320.
Familial temporal lobe epilepsy 7. Identifiers: Orphanet 101046, MedGen C4225327, MONDO:0014639, OMIM 616436.

Allele frequency attached by ClinVar (database versions not stated): ExAC 0.00001; gnomAD exomes 0.00002 and 0.00003; TOPMed 0.00005; gnomAD 0.00008 and 0.00009.
gnomAD v4.1: 54 of 1,613,844 alleles (0.0033%); highest among the groups gnomAD compares: Middle Eastern, 0.049%; no homozygotes.

Submissions (4):

Labcorp Genetics (formerly Invitae), Labcorp
Classification: Likely benign for Familial temporal lobe epilepsy 7; Norman-Roberts syndrome. Last evaluated: 2026-01-26. Review status: criteria provided, single submitter. Criteria: Invitae Variant Classification Sherloc (09022015). Collection method: clinical testing. Allele origin: germline.

Blueprint Genetics
Classification: Likely benign. Last evaluated: 2024-11-27. Review status: criteria provided, single submitter. Criteria: ACMG Guidelines, 2015. Collection method: clinical testing. Allele origin: germline.

Eurofins Ntd Llc (ga)
Classification: Uncertain significance. Last evaluated: 2018-06-14. Review status: criteria provided, single submitter. Criteria: EGL ClinVar v180209 classification definitions. Collection method: clinical testing. Allele origin: germline. Observed: 2 variant alleles, 2 heterozygotes.

PreventionGenetics, part of Exact Sciences
Classification: Likely benign for RELN-related condition. Last evaluated: 2023-12-31. Review status: no assertion criteria provided. Collection method: clinical testing. Allele origin: germline. Not counted in ClinVar's aggregate classification.
Comment: This variant is classified as likely benign based on ACMG/AMP sequence variant interpretation guidelines (Richards et al. 2015 PMID: 25741868, with internal and published modifications).